The following is an entry in ClinVar:

ClinVar aggregate classification (germline): Uncertain significance. Review status: criteria provided, multiple submitters, no conflicts (2 of 4 stars). 2 submissions from 2 submitters: Uncertain significance (2). Last evaluated 2023-11-01.

Conditions:
Cardiovascular phenotype. Identifiers: MedGen CN230736.
Dilated cardiomyopathy 1JJ (CMD1JJ). Identifiers: Orphanet 154, MedGen C3808935, MONDO:0014095, OMIM 615235.

Allele frequency attached by ClinVar (database versions not stated): ExAC 0.00001; gnomAD 0.00001; gnomAD exomes below 0.00001 and 0.00001.
gnomAD v4.1: 10 of 1,613,916 alleles (0.00062%); highest among the groups gnomAD compares: Non-Finnish European, 0.00085%; no homozygotes.

Submissions (2):

Ambry Genetics
Classification: Uncertain significance for Cardiovascular phenotype. Last evaluated: 2023-11-01. Review status: criteria provided, single submitter. Criteria: Ambry Variant Classification Scheme 2023. Collection method: clinical testing. Allele origin: germline.
Comment: The p.E1569Q variant (also known as c.4705G>C), located in coding exon 33 of the LAMA4 gene, results from a G to C substitution at nucleotide position 4705. The glutamic acid at codon 1569 is replaced by glutamine, an amino acid with highly similar properties. This amino acid position is conserved. In addition, this alteration is predicted to be tolerated by in silico analysis. Since supporting evidence is limited at this time, the clinical significance of this alteration remains unclear.

Labcorp Genetics (formerly Invitae), Labcorp
Classification: Uncertain significance for Dilated cardiomyopathy 1JJ. Last evaluated: 2022-04-11. Review status: criteria provided, single submitter. Criteria: Invitae Variant Classification Sherloc (09022015). Collection method: clinical testing. Allele origin: germline.
Comment: Algorithms developed to predict the effect of missense changes on protein structure and function are either unavailable or do not agree on the potential impact of this missense change (SIFT: "Deleterious"; PolyPhen-2: "Probably Damaging"; Align-GVGD: "Class C0"). ClinVar contains an entry for this variant (Variation ID: 839465). This variant has not been reported in the literature in individuals affected with LAMA4-related conditions. This variant is present in population databases (rs782123488, gnomAD 0.0009%). This sequence change replaces glutamic acid, which is acidic and polar, with glutamine, which is neutral and polar, at codon 1569 of the LAMA4 protein (p.Glu1569Gln). In summary, the available evidence is currently insufficient to determine the role of this variant in disease. Therefore, it has been classified as a Variant of Uncertain Significance.

NM_001105206.3(LAMA4):c.4726G>C (p.Glu1576Gln)

Gene: LAMA4 (laminin subunit alpha 4; minus strand). Cytogenetic location: 6q21.
Variant type: single nucleotide variant.
Coding change: c.4726G>C on transcript NM_001105206.3 (MANE Select); coding-DNA position 4726, G replaced by C.
Protein change: p.Glu1576Gln; replaces glutamic acid 1576 with glutamine.
Molecular consequence: missense variant.
Genome position (GRCh38, 1-based): chr6:112,119,251, C>G on the plus strand (G>C on the coding strand, the complement: LAMA4 is on the minus strand). VCF-style: chr6-112119251-C-G. GRCh37 (hg19) VCF-style: chr6-112440454-C-G.
Other names: c.4705G>C (NM_002290.3); c.4705G>C, p.Glu1569Gln (NM_001105207.3, NM_002290.5); short protein forms E1576Q, E1569Q.
Identifiers: ClinVar variation 839465 (VCV000839465.10), dbSNP rs782123488, ClinGen allele CA3964917.
Genomic context (GRCh38, chr6:112,119,251, plus strand): 5'-CTCCCAAATAAATGGGACCCTTGATTTTCCAGGTAGCTTCAGTAGGAGGAAGACTTTCTT[C>G]TAGGACTCGGAGACCATCAATTACCAGTCGGCCACTGCTCCTTTCTCGAATAAATATCAC-3'
Protein context (NP_001098676.2, residues 1566-1586): RLVIDGLRVL[Glu1576Gln]ESLPPTEATW